The following is an entry in ClinVar:

NM_001286577.2(C2CD3):c.6572G>A (p.Gly2191Glu)

Gene: C2CD3 (C2 domain containing 3 centriole elongation regulator; minus strand). Cytogenetic location: 11q13.4.
Variant type: single nucleotide variant.
Coding change: c.6572G>A on transcript NM_001286577.2 (MANE Select); coding-DNA position 6572, G replaced by A.
Protein change: p.Gly2191Glu; replaces glycine 2191 with glutamic acid.
Molecular consequence: missense variant.
Genome position (GRCh38, 1-based): chr11:74,033,588, C>T on the plus strand (G>A on the coding strand, the complement: C2CD3 is on the minus strand). VCF-style: chr11-74033588-C-T. GRCh37 (hg19) VCF-style: chr11-73744633-C-T.
Other names: short protein forms G2191E.
Identifiers: ClinVar variation 1936916 (VCV001936916.5), dbSNP rs140242195, ClinGen allele CA224505531.
Genomic context (GRCh38, chr11:74,033,588, plus strand): 5'-TTCTCAGCTGGGGCCTCTGACTTGGGCTCCTTGTTCTGATCTGTCTGTGGTGAGCTCCAT[C>T]CAACAAACGTGCTGCTCTGTTGAGCTCCTGAGAGTGTTGGGCATGGGATGGGCTGAGGGT-3'
Protein context (NP_001273506.1, residues 2181-2201): SGAQQSSTFV[Gly2191Glu]WSSPQTDQNK

ClinVar aggregate classification (germline): Uncertain significance (1 of 4 stars; one submission).

gnomAD v4.1: 10 of 1,536,042 alleles (0.00065%); highest among the groups gnomAD compares: African/African-American, 0.011%; no homozygotes.

Submission:

Labcorp Genetics (formerly Invitae), Labcorp
Classification: Uncertain significance. Last evaluated: 2022-03-27. Review status: criteria provided, single submitter. Criteria: Invitae Variant Classification Sherloc (09022015). Collection method: clinical testing. Allele origin: germline.
Comment: In summary, the available evidence is currently insufficient to determine the role of this variant in disease. Therefore, it has been classified as a Variant of Uncertain Significance. Experimental studies and prediction algorithms are not available or were not evaluated, and the functional significance of this variant is currently unknown. The C2CD3 gene has multiple clinically relevant transcripts. This variant occurs in alternate transcript NM_001286577.1, and corresponds to NM_015531.5:c.*1010G>A in the primary transcript. This sequence change replaces glycine, which is neutral and non-polar, with glutamic acid, which is acidic and polar, at codon 2191 of the C2CD3 protein (p.Gly2191Glu). This variant is not present in population databases (gnomAD no frequency). This variant has not been reported in the literature in individuals affected with C2CD3-related conditions.